The following is an entry in ClinVar:

NM_030653.4(DDX11):c.1437C>T (p.Asn479=)

Gene: DDX11 (DEAD/H-box helicase 11; plus strand). Cytogenetic location: 12p11.21.
Variant type: single nucleotide variant.
Coding change: c.1437C>T on transcript NM_030653.4 (MANE Select); coding-DNA position 1437, C replaced by T.
Protein change: p.Asn479=; no amino-acid change (asparagine 479 retained).
Molecular consequence: synonymous variant. On other transcripts: non-coding transcript variant (4).
Genome position (GRCh38, 1-based): chr12:31,094,777, C>T. VCF-style: chr12-31094777-C-T. GRCh37 (hg19) VCF-style: chr12-31247711-C-T.
Other names: c.1437C>T, p.Asn479= (NM_001257144.2, NM_001413692.1, NM_001413693.1 and 5 more transcripts); c.1359C>T, p.Asn453= (NM_001257145.2, NM_001413697.1, NM_001413698.1 and 1 more transcripts); c.1350C>T, p.Asn450= (NM_001413700.1); c.909C>T, p.Asn303= (NM_001413702.1, NM_001413703.1); c.576C>T, p.Asn192= (NM_001413704.1, NM_001413705.1); c.471C>T, p.Asn157= (NM_001413706.1).
Identifiers: ClinVar variation 2642820 (VCV002642820.25), dbSNP rs752619073, ClinGen allele CA6501310.

ClinVar aggregate classification (germline): Likely benign. Review status: criteria provided, multiple submitters, no conflicts (2 of 4 stars). 2 submissions from 2 submitters: Likely benign (2). Last evaluated 2025-03-01.

Allele frequency attached by ClinVar (database versions not stated): gnomAD 0.00001; TOPMed 0.00001; ExAC 0.00015.

Submissions (2):

CeGaT Center for Human Genetics Tuebingen
Classification: Likely benign. Last evaluated: 2025-03-01. Review status: criteria provided, single submitter. Criteria: CeGaT Center For Human Genetics Tuebingen Variant Classification Criteria Version 2. Collection method: clinical testing. Allele origin: germline. Affected: yes. Observed: 3 variant alleles.
Comment: DDX11: BP4, BP7

Blueprint Genetics
Classification: Likely benign. Last evaluated: 2024-03-08. Review status: criteria provided, single submitter. Criteria: ACMG Guidelines, 2015. Collection method: clinical testing. Allele origin: germline.